The following is an entry in ClinVar:

NM_000070.3(CAPN3):c.1355A>G (p.Asp452Gly)

Genes: CAPN3 (calpain 3; plus strand), LOC130056921 (ATAC-STARR-seq lymphoblastoid active region 9300; plus strand). Cytogenetic location: 15q15.1.
Variant type: single nucleotide variant.
Coding change: c.1355A>G on transcript NM_000070.3 (MANE Select); coding-DNA position 1355, A replaced by G.
Protein change: p.Asp452Gly; replaces aspartic acid 452 with glycine.
Molecular consequence: missense variant.
Genome position (GRCh38, 1-based): chr15:42,401,641, A>G. VCF-style: chr15-42401641-A-G. GRCh37 (hg19) VCF-style: chr15-42693839-A-G.
Other names: p.Asp452Gly; c.1355A>G (NM_000070.2); c.1355A>G, p.Asp452Gly (NM_024344.2); c.1211A>G, p.Asp404Gly (NM_173087.2); c.1094A>G, p.Asp365Gly (NM_212464.2); c.*1048A>G (NM_212467.2); short protein forms D404G, D452G, D365G.
Identifiers: ClinVar variation 2139533 (VCV002139533.5), dbSNP rs549092966, ClinGen allele CA7511341.
Genomic context (GRCh38, chr15:42,401,641, plus strand): 5'-ATCCCCTTCCTGCCCTCTGAGAGGCAGCTGTGAATGCGTGCTTCCTTTCTGGGGGTGCAG[A>G]TACTTTCTGGACCAACCCTCAGTACCGTCTGAAGCTCCTGGAGGAGGACGATGACCCTGA-3'
Protein context (NP_000061.1, residues 442-462): CSAGGCRNFP[Asp452Gly]TFWTNPQYRL

ClinVar aggregate classification (germline): Uncertain significance. Review status: criteria provided, multiple submitters, no conflicts (2 of 4 stars). 3 submissions from 3 submitters: Uncertain significance (3). Last evaluated 2025-07-03.

Conditions:
Autosomal recessive limb-girdle muscular dystrophy type 2A (LGMDR1). Also called: LEYDEN-MOEBIUS MUSCULAR DYSTROPHY; MUSCULAR DYSTROPHY, PELVOFEMORAL; Muscular dystrophy, limb-girdle, type 2A, Amish; Limb-girdle muscular dystrophy, type 2A; Calpainopathy. Identifiers: Orphanet 267, MedGen C1869123, MONDO:0009675, OMIM 253600. Disease mechanism: loss of function.

Allele frequency attached by ClinVar (database versions not stated): gnomAD exomes below 0.00001; TOPMed below 0.00001; ExAC 0.00001; gnomAD 0.00001; 1000 Genomes Project 30x 0.00016; 1000 Genomes Project 0.00020.
gnomAD v4.1: 7 of 1,614,044 alleles (0.00043%); highest among the groups gnomAD compares: East Asian, 0.013%; no homozygotes.

Submissions (3):

Mayo Clinic Laboratories, Mayo Clinic
Classification: Uncertain significance. Last evaluated: 2025-07-03. Review status: criteria provided, single submitter. Criteria: ACMG Guidelines, 2015. Collection method: clinical testing. Allele origin: germline. Observed: 1 variant allele.
Comment: PP3_moderate, PM2_supporting, PM5

Labcorp Genetics (formerly Invitae), Labcorp
Classification: Uncertain significance for Autosomal recessive limb-girdle muscular dystrophy type 2A. Last evaluated: 2022-10-03. Review status: criteria provided, single submitter. Criteria: Invitae Variant Classification Sherloc (09022015). Collection method: clinical testing. Allele origin: germline.
Comment: This sequence change replaces aspartic acid, which is acidic and polar, with glycine, which is neutral and non-polar, at codon 452 of the CAPN3 protein (p.Asp452Gly). This variant is present in population databases (rs549092966, gnomAD 0.03%). This variant has not been reported in the literature in individuals affected with CAPN3-related conditions. Algorithms developed to predict the effect of missense changes on protein structure and function (SIFT, PolyPhen-2, Align-GVGD) all suggest that this variant is likely to be tolerated. Algorithms developed to predict the effect of sequence changes on RNA splicing suggest that this variant may disrupt the consensus splice site. In summary, the available evidence is currently insufficient to determine the role of this variant in disease. Therefore, it has been classified as a Variant of Uncertain Significance.

Revvity Omics, Revvity
Classification: Uncertain significance. Last evaluated: 2020-01-03. Review status: criteria provided, single submitter. Criteria: ACMG Guidelines, 2015. Collection method: clinical testing. Allele origin: germline.

Literature cited by the submitters: PubMed 35063694 (cited by Mayo Clinic Laboratories, Mayo Clinic).